The following is an entry in ClinVar:

ClinVar aggregate classification (germline): Conflicting classifications of pathogenicity. Review status: criteria provided, conflicting classifications (1 of 4 stars). 2 submissions from 2 submitters: Uncertain significance (1); Likely benign (1). Last evaluated 2025-10-27.

Conditions:
Pancreatic adenocarcinoma. Identifiers: MedGen C0281361, MONDO:0006047, HP:0006725.

Allele frequency attached by ClinVar (database versions not stated): TOPMed 0.00001; gnomAD exomes 0.00005 and 0.00009; ExAC 0.00007; gnomAD 0.00008 and 0.00009.
gnomAD v4.1: 78 of 1,610,248 alleles (0.0048%); highest among the groups gnomAD compares: East Asian, 0.0045%; 1 homozygote.

Submissions (2):

Labcorp Genetics (formerly Invitae), Labcorp
Classification: Likely benign for Pancreatic adenocarcinoma. Last evaluated: 2025-10-27. Review status: criteria provided, single submitter. Criteria: Invitae Variant Classification Sherloc (09022015). Collection method: clinical testing. Allele origin: germline.

Ambry Genetics
Classification: Uncertain significance. Last evaluated: 2022-09-05. Review status: criteria provided, single submitter. Criteria: Ambry Variant Classification Scheme 2023. Collection method: clinical testing. Allele origin: germline.
Comment: The p.T975M variant (also known as c.2924C>T), located in coding exon 16 of the PALLD gene, results from a C to T substitution at nucleotide position 2924. The threonine at codon 975 is replaced by methionine, an amino acid with similar properties. This amino acid position is conserved. In addition, the in silico prediction for this alteration is inconclusive. Since supporting evidence is limited at this time, the clinical significance of this alteration remains unclear.

NM_001166108.2(PALLD):c.2975C>T (p.Thr992Met)

Genes: CBR4 (carbonyl reductase 4; minus strand), PALLD (palladin, cytoskeletal associated protein; plus strand). Cytogenetic location: 4q32.3.
Variant type: single nucleotide variant.
Coding change: c.2975C>T on transcript NM_001166108.2 (MANE Select); coding-DNA position 2975, C replaced by T.
Protein change: p.Thr992Met; replaces threonine 992 with methionine.
Molecular consequence: missense variant.
Genome position (GRCh38, 1-based): chr4:168,921,658, C>T. VCF-style: chr4-168921658-C-T. GRCh37 (hg19) VCF-style: chr4-169842809-C-T.
Other names: c.1778C>T, p.Thr593Met (NM_001166109.2); c.1463C>T, p.Thr488Met (NM_001166110.2); c.803C>T, p.Thr268Met (NM_001367567.1, NM_001367569.1); c.854C>T, p.Thr285Met (NM_001367568.1, NM_001367570.1); c.2924C>T, p.Thr975Met (NM_016081.4); short protein forms T285M, T268M, T488M, T593M, T975M, T992M.
Identifiers: ClinVar variation 1797740 (VCV001797740.7), dbSNP rs750033888, ClinGen allele CA3136000.